The following is an entry in ClinVar:

NM_003396.3(WNT9B):c.594C>T (p.Gly198=)

Genes: LRRC37A2 (leucine rich repeat containing 37 member A2), WNT9B (Wnt family member 9B; plus strand). Cytogenetic location: 17q21.32.
Variant type: single nucleotide variant.
Coding change: c.594C>T on transcript NM_003396.3 (MANE Select); coding-DNA position 594, C replaced by T.
Protein change: p.Gly198=; no amino-acid change (glycine 198 retained).
Molecular consequence: synonymous variant.
Genome position (GRCh38, 1-based): chr17:46,875,360, C>T. VCF-style: chr17-46875360-C-T. GRCh37 (hg19) VCF-style: chr17-44952726-C-T.
Other names: c.594C>T (NM_003396.2); c.594C>T, p.Gly198= (NM_001320458.2).
Identifiers: ClinVar variation 2055590 (VCV002055590.6), dbSNP rs117972040, ClinGen allele CA8620939.

ClinVar aggregate classification (germline): Benign. Review status: criteria provided, single submitter (1 of 4 stars). 2 submissions from 2 submitters: Benign (1). 1 of the submissions does not count toward it. Last evaluated 2025-05-01.

Conditions:
WNT9B-related disorder. Also called: WNT9B-related condition.

Allele frequency attached by ClinVar (database versions not stated): TOPMed 0.00029; gnomAD 0.00035; ESP Exome Variant Server 0.00038; ExAC 0.00058; 1000 Genomes Project 0.00060; 1000 Genomes Project 30x 0.00062; gnomAD exomes 0.00062.
gnomAD v4.1: 945 of 1,600,492 alleles (0.059%); highest among the groups gnomAD compares: South Asian, 0.22%; 3 homozygotes.

Submissions (2):

Labcorp Genetics (formerly Invitae), Labcorp
Classification: Benign. Last evaluated: 2025-05-01. Review status: criteria provided, single submitter. Criteria: Invitae Variant Classification Sherloc (09022015). Collection method: clinical testing. Allele origin: germline.

PreventionGenetics, part of Exact Sciences
Classification: Likely benign for WNT9B-related condition. Last evaluated: 2022-04-06. Review status: no assertion criteria provided. Collection method: clinical testing. Allele origin: germline. Not counted in ClinVar's aggregate classification.
Comment: This variant is classified as likely benign based on ACMG/AMP sequence variant interpretation guidelines (Richards et al. 2015 PMID: 25741868, with internal and published modifications).